The following is an entry in ClinVar:

NM_005032.7(PLS3):c.748+130G>A

Gene: PLS3 (plastin 3; plus strand). Cytogenetic location: Xq23.
Variant type: single nucleotide variant.
Coding change: c.748+130G>A on transcript NM_005032.7 (MANE Select); 130 bases into the intron after coding-DNA position 748, G replaced by A.
Molecular consequence: intron variant.
Genome position (GRCh38, 1-based): chrX:115,635,176, G>A. VCF-style: chrX-115635176-G-A. GRCh37 (hg19) VCF-style: chrX-114869488-G-A.
Other names: c.682+130G>A (NM_001282337.2); c.613+130G>A (NM_001282338.2); c.748+130G>A (NM_001136025.5); c.667+130G>A (NM_001172335.3).
Identifiers: ClinVar variation 668874 (VCV000668874.1), dbSNP rs148608302, ClinGen allele CA334698120.

ClinVar aggregate classification (germline): Benign (1 of 4 stars; one submission).

Allele frequency attached by ClinVar (database versions not stated): gnomAD exomes 0.03552; 1000 Genomes Project 0.00980; 1000 Genomes Project 30x 0.01020; TOPMed 0.02167; gnomAD 0.02611 and 0.02673.
gnomAD v4.1: 17,130 of 513,750 alleles (3.3%); highest among the groups gnomAD compares: Non-Finnish European, 3.8%; 259 homozygotes.

Submission:

GeneDx
Classification: Benign. Last evaluated: 2018-06-16. Review status: criteria provided, single submitter. Criteria: GeneDx Variant Classification (06012015). Collection method: clinical testing. Allele origin: germline. Affected: yes.
Comment: This variant is considered likely benign or benign based on one or more of the following criteria: it is a conservative change, it occurs at a poorly conserved position in the protein, it is predicted to be benign by multiple in silico algorithms, and/or has population frequency not consistent with disease.